The following is an entry in ClinVar:

NM_002458.3(MUC5B):c.7356G>T (p.Thr2452=)

Genes: MUC5B (mucin 5B, oligomeric mucus/gel-forming; plus strand), MUC5B-AS1 (MUC5B antisense RNA 1; minus strand). Cytogenetic location: 11p15.5.
Variant type: single nucleotide variant.
Coding change: c.7356G>T on transcript NM_002458.3 (MANE Select); coding-DNA position 7356, G replaced by T.
Protein change: p.Thr2452=; no amino-acid change (threonine 2452 retained).
Molecular consequence: synonymous variant.
Genome position (GRCh38, 1-based): chr11:1,244,236, G>T. VCF-style: chr11-1244236-G-T. GRCh37 (hg19) VCF-style: chr11-1265466-G-T.
Identifiers: ClinVar variation 2641230 (VCV002641230.24), dbSNP rs373586502, ClinGen allele CA5806279.

ClinVar aggregate classification (germline): Likely benign (1 of 4 stars; one submission).

gnomAD v4.1: 85 of 1,611,508 alleles (0.0053%); highest among the groups gnomAD compares: South Asian, 0.011%; no homozygotes.

Submission:

CeGaT Center for Human Genetics Tuebingen
Classification: Likely benign. Last evaluated: 2022-07-01. Review status: criteria provided, single submitter. Criteria: CeGaT Center For Human Genetics Tuebingen Variant Classification Criteria Version 2. Collection method: clinical testing. Allele origin: germline. Affected: yes. Observed: 1 variant allele.
Comment: MUC5B: BP4, BP7